The following is an entry in ClinVar:

ClinVar aggregate classification (germline): Uncertain significance (1 of 4 stars; one submission).

Allele frequency attached by ClinVar (database versions not stated): ExAC 0.00001; gnomAD exomes 0.00001; TOPMed 0.00002.

Submission:

Labcorp Genetics (formerly Invitae), Labcorp
Classification: Uncertain significance. Last evaluated: 2024-10-25. Review status: criteria provided, single submitter. Criteria: Invitae Variant Classification Sherloc (09022015). Collection method: clinical testing. Allele origin: germline.
Comment: This sequence change affects codon 408 of the TULP1 mRNA. It is a 'silent' change, meaning that it does not change the encoded amino acid sequence of the TULP1 protein. It affects a nucleotide within the consensus splice site. This variant is present in population databases (rs780528517, gnomAD 0.006%). This variant has not been reported in the literature in individuals affected with TULP1-related conditions. ClinVar contains an entry for this variant (Variation ID: 1468968). Algorithms developed to predict the effect of sequence changes on RNA splicing suggest that this variant is not likely to affect RNA splicing. In summary, the available evidence is currently insufficient to determine the role of this variant in disease. Therefore, it has been classified as a Variant of Uncertain Significance.

NM_003322.6(TULP1):c.1224T>C (p.Tyr408=)

Gene: TULP1 (TUB like protein 1; minus strand). Cytogenetic location: 6p21.31.
Variant type: single nucleotide variant.
Coding change: c.1224T>C on transcript NM_003322.6 (MANE Select); coding-DNA position 1224, T replaced by C.
Protein change: p.Tyr408=; no amino-acid change (tyrosine 408 retained).
Molecular consequence: synonymous variant.
Genome position (GRCh38, 1-based): chr6:35,503,737, A>G on the plus strand (T>C on the coding strand, the complement: TULP1 is on the minus strand). VCF-style: chr6-35503737-A-G. GRCh37 (hg19) VCF-style: chr6-35471514-A-G.
Other names: c.1065T>C, p.Tyr355= (NM_001289395.2).
Identifiers: ClinVar variation 1468968 (VCV001468968.8), dbSNP rs780528517, ClinGen allele CA3772629.